The following is an entry in ClinVar:

ClinVar aggregate classification (germline): Uncertain significance (1 of 4 stars; one submission).

Conditions:
PRR12-related disorder. Also called: PRR12-related condition.

gnomAD v4.1: 1 of 1,604,720 alleles (0.000062%); highest among the groups gnomAD compares: Non-Finnish European, 0.000085%; no homozygotes.

Submission:

PreventionGenetics, part of Exact Sciences
Classification: Uncertain significance for PRR12-related condition. Last evaluated: 2026-09-03. Review status: criteria provided, single submitter. Criteria: ACMG Guidelines, 2015. Collection method: clinical testing. Allele origin: germline.
Comment: The PRR12 c.1310G>A variant is predicted to result in the amino acid substitution p.Gly437Glu. To our knowledge, this variant has not been reported in the literature or in a large population database (gnomAD), indicating this variant is rare. At this time, the clinical significance of this variant is uncertain due to the absence of conclusive functional and genetic evidence.

NM_020719.3(PRR12):c.1310G>A (p.Gly437Glu)

Gene: PRR12 (proline rich 12; plus strand). Cytogenetic location: 19q13.33.
Variant type: single nucleotide variant.
Coding change: c.1310G>A on transcript NM_020719.3 (MANE Select); coding-DNA position 1310, G replaced by A.
Protein change: p.Gly437Glu; replaces glycine 437 with glutamic acid.
Molecular consequence: missense variant.
Genome position (GRCh38, 1-based): chr19:49,595,645, G>A. VCF-style: chr19-49595645-G-A. GRCh37 (hg19) VCF-style: chr19-50098902-G-A.
Other names: short protein forms G437E.
Identifiers: ClinVar variation 4990004 (VCV004990004.1).